The following is an entry in ClinVar:

NM_000219.6(KCNE1):c.127G>A (p.Glu43Lys)

Gene: KCNE1 (potassium voltage-gated channel subfamily E regulatory subunit 1; minus strand). Cytogenetic location: 21q22.12.
Variant type: single nucleotide variant.
Coding change: c.127G>A on transcript NM_000219.6 (MANE Select); coding-DNA position 127, G replaced by A.
Protein change: p.Glu43Lys; replaces glutamic acid 43 with lysine.
Molecular consequence: missense variant.
Genome position (GRCh38, 1-based): chr21:34,449,508, C>T on the plus strand (G>A on the coding strand, the complement: KCNE1 is on the minus strand). VCF-style: chr21-34449508-C-T. GRCh37 (hg19) VCF-style: chr21-35821806-C-T.
Other names: c.127G>A (NM_000219.3); c.127G>A, p.Glu43Lys (NM_001127668.4, NM_001127669.4, NM_001127670.4 and 4 more transcripts); short protein forms E43K.
Identifiers: ClinVar variation 409232 (VCV000409232.17), dbSNP rs755781709, ClinGen allele CA16616501.

ClinVar aggregate classification (germline): Uncertain significance. Review status: criteria provided, multiple submitters, no conflicts (2 of 4 stars). 7 submissions from 7 submitters: Uncertain significance (7). Last evaluated 2026-08-06.

Conditions:
Long QT syndrome (LQTS). Identifiers: MedGen C0023976, MeSH D008133, MONDO:0002442. Disease mechanism: loss of function. Inheritance: Various modes of inheritance.
Cardiovascular phenotype. Identifiers: MedGen CN230736.
Arrhythmogenic right ventricular cardiomyopathy (ARVD). Also called: Cardiomyopathy, ARVC; Arrhythmogenic right ventricular dysplasia; Arrhythmogenic cardiomyopathy; Arrhythmogenic Right Ventricular Cardiomyopathy (ARVC). Identifiers: Orphanet 247, MedGen C0349788, MeSH D019571, MONDO:0016587. Disease mechanism: loss of function. Inheritance: Various modes of inheritance.
Jervell and Lange-Nielsen syndrome 2 (JLNS2). Identifiers: Orphanet 768, Orphanet 90647, MedGen C2676723, MONDO:0012871, OMIM 612347.

Allele frequency attached by ClinVar (database versions not stated): gnomAD exomes 0.00001 and 0.00003; ExAC 0.00004; gnomAD 0.00004.

Submissions (8):

OLLIN Analises Genomicas, OLLIN
Classification: Uncertain significance for Jervell and Lange-Nielsen syndrome 2. Last evaluated: 2026-08-06. Review status: criteria provided, single submitter. Criteria: ACMG Guidelines 2015 PMID 25741868. Collection method: clinical testing. Allele origin: germline. Inheritance: Autosomal recessive inheritance.
Comment: This missense variant, located in exon 4 (of 4), has been reported in ClinVar (accession VCV000409232.15), in gnomAD with an allele frequency of 0.0014%, and in the scientific literature in individuals with KCNE1 related disorders (PMID: 34395343). In silico analysis predicts that this variant has a deleterious effect. According to the currently available evidence, this variant has been classified as uncertain significance (PS4_P, PP3).

Dasa
Classification: Uncertain significance. Last evaluated: 2025-09-30. Review status: criteria provided, single submitter. Criteria: DASA Assertion Criteria. Collection method: clinical testing. Allele origin: germline.
Comment: NM_000219.6(KCNE1):c.127G>A (p.Glu43Lys) is a missense variant that results in the substitution of glutamic acid with lysine. This variant is rare in population databases. Computational prediction algorithms are consistent with a deleterious effect. The currently available literature and clinical evidence are not sufficient to establish a definitive association between this variant and the reported condition. Therefore, this variant is classified as a variant of uncertain significance.

GeneDx
Classification: Uncertain significance. Last evaluated: 2025-01-24. Review status: criteria provided, single submitter. Criteria: GeneDx Variant Classification Process June 2021. Collection method: clinical testing. Allele origin: germline. Affected: yes.
Comment: Identified in a patient with long QT in published literature; however, variants were also present in other genes associated with long QT (PMID: 34395343); Published functional studies suggest a partial loss of cell surface expression as well as a possible loss of ion efflux ability; however, additional studies are required to demonstrate a clear loss-of-function effect (PMID: 38816749); In silico analysis indicates that this missense variant does not alter protein structure/function; This variant is associated with the following publications: (PMID: 34395343, 38816749)

Labcorp Genetics (formerly Invitae), Labcorp
Classification: Uncertain significance for Long QT syndrome. Last evaluated: 2025-01-15. Review status: criteria provided, single submitter. Criteria: Invitae Variant Classification Sherloc (09022015). Collection method: clinical testing. Allele origin: germline.
Comment: This sequence change replaces glutamic acid, which is acidic and polar, with lysine, which is basic and polar, at codon 43 of the KCNE1 protein (p.Glu43Lys). This variant is present in population databases (rs755781709, gnomAD 0.02%). This variant has not been reported in the literature in individuals affected with KCNE1-related conditions. ClinVar contains an entry for this variant (Variation ID: 409232). Invitae Evidence Modeling of protein sequence and biophysical properties (such as structural, functional, and spatial information, amino acid conservation, physicochemical variation, residue mobility, and thermodynamic stability) has been performed for this missense variant. However, the output from this modeling did not meet the statistical confidence thresholds required to predict the impact of this variant on KCNE1 protein function. In summary, the available evidence is currently insufficient to determine the role of this variant in disease. Therefore, it has been classified as a Variant of Uncertain Significance.

Ambry Genetics
Classification: Uncertain significance for Cardiovascular phenotype. Last evaluated: 2024-10-17. Review status: criteria provided, single submitter. Criteria: Ambry Variant Classification Scheme 2023. Collection method: clinical testing. Allele origin: germline.
Comment: The p.E43K variant (also known as c.127G>A), located in coding exon 1 of the KCNE1 gene, results from a G to A substitution at nucleotide position 127. The glutamic acid at codon 43 is replaced by lysine, an amino acid with similar properties. This variant has been reported in an individual in an elevated QTc interval cohort, but clinical details were limited (Sarquella-Brugada G et al. Front Pediatr, 2021 Jul;9:704580). This amino acid position is not well conserved in available vertebrate species. In addition, the in silico prediction for this alteration is inconclusive. Based on the available evidence, the clinical significance of this variant remains unclear.

Revvity Omics, Revvity
Classification: Uncertain significance. Last evaluated: 2020-03-26. Review status: criteria provided, single submitter. Criteria: ACMG Guidelines, 2015. Collection method: clinical testing. Allele origin: germline.

Center for Advanced Laboratory Medicine, UC San Diego Health, University of California San Diego
Classification: Uncertain significance for Arrhythmogenic right ventricular cardiomyopathy. Last evaluated: 2017-08-16. Review status: criteria provided, single submitter. Criteria: ACMG Guidelines, 2015. Collection method: clinical testing. Allele origin: germline. Affected: yes. Observed: 1 variant allele.

Roden Lab, Vanderbilt University Medical Center
No classification provided (evidence only). Condition: Long QT syndrome 5. Review status: no classification provided. Collection method: in vitro. Allele origin: not applicable. Functional consequence: Effect on ion channel function. Not counted in ClinVar's aggregate classification.
ClinVar note: "not provided" was previously submitted as the classification for the variant. However, the classification appeared to be based only on an observation of functional data so it was converted to no classification on 2025-07-30.

Literature cited by the submitters: PubMed 34395343 (cited by OLLIN Analises Genomicas, OLLIN and Ambry Genetics); PubMed 38816749 (cited by Ambry Genetics).